The following is an entry in ClinVar:

ClinVar aggregate classification (germline): Uncertain significance. Review status: criteria provided, multiple submitters, no conflicts (2 of 4 stars). 2 submissions from 2 submitters: Uncertain significance (2). Last evaluated 2025-12-19.

Conditions:
Singleton-Merten syndrome 1 (SGMRT1). Also called: Widened medullary cavities of bone, aortic calcification, abnormal dentition, and muscular weakness; Syndrome of widened medullary cavities of the metacarpals and phalanges, aortic calcification and abnormal dentition. Identifiers: Orphanet 85191, MedGen C4225427, MONDO:0024535, OMIM 182250.
Aicardi-Goutieres syndrome 7 (AGS7). Identifiers: Orphanet 51, MedGen C3888244, MONDO:0014367, OMIM 615846.

Submissions (2):

Labcorp Genetics (formerly Invitae), Labcorp
Classification: Uncertain significance for Aicardi-Goutieres syndrome 7; Singleton-Merten syndrome 1. Last evaluated: 2025-12-19. Review status: criteria provided, single submitter. Criteria: Invitae Variant Classification Sherloc (09022015). Collection method: clinical testing. Allele origin: germline.
Comment: This sequence change replaces serine, which is neutral and polar, with asparagine, which is neutral and polar, at codon 730 of the IFIH1 protein (p.Ser730Asn). This variant is present in population databases (rs375745122, gnomAD 0.002%). This variant has not been reported in the literature in individuals affected with IFIH1-related conditions. ClinVar contains an entry for this variant (Variation ID: 1516769). Invitae Evidence Modeling of protein sequence and biophysical properties (such as structural, functional, and spatial information, amino acid conservation, physicochemical variation, residue mobility, and thermodynamic stability) has been performed for this missense variant. However, the output from this modeling did not meet the statistical confidence thresholds required to predict the impact of this variant on IFIH1 protein function. In summary, the available evidence is currently insufficient to determine the role of this variant in disease. Therefore, it has been classified as a Variant of Uncertain Significance.

CeGaT Center for Human Genetics Tuebingen
Classification: Uncertain significance. Last evaluated: 2025-04-01. Review status: criteria provided, single submitter. Criteria: CeGaT Center For Human Genetics Tuebingen Variant Classification Criteria Version 2. Collection method: clinical testing. Allele origin: germline. Affected: yes. Observed: 3 variant alleles.
Comment: IFIH1: PM2

NM_022168.4(IFIH1):c.2189G>A (p.Ser730Asn)

Gene: IFIH1 (interferon induced with helicase C domain 1; minus strand). Cytogenetic location: 2q24.2.
Variant type: single nucleotide variant.
Coding change: c.2189G>A on transcript NM_022168.4 (MANE Select); coding-DNA position 2189, G replaced by A.
Protein change: p.Ser730Asn; replaces serine 730 with asparagine.
Molecular consequence: missense variant.
Genome position (GRCh38, 1-based): chr2:162,276,802, C>T on the plus strand (G>A on the coding strand, the complement: IFIH1 is on the minus strand). VCF-style: chr2-162276802-C-T. GRCh37 (hg19) VCF-style: chr2-163133312-C-T.
Other names: short protein forms S730N.
Identifiers: ClinVar variation 1516769 (VCV001516769.15), dbSNP rs375745122, ClinGen allele CA1934274.